The following is an entry in ClinVar:

NM_001378120.1(MBD5):c.5012G>A (p.Ser1671Asn)

Gene: MBD5 (methyl-CpG binding domain protein 5; plus strand). Cytogenetic location: 2q23.1.
Variant type: single nucleotide variant.
Coding change: c.5012G>A on transcript NM_001378120.1 (MANE Select); coding-DNA position 5012, G replaced by A.
Protein change: p.Ser1671Asn; replaces serine 1671 with asparagine.
Molecular consequence: missense variant.
Genome position (GRCh38, 1-based): chr2:148,502,485, G>A. VCF-style: chr2-148502485-G-A. GRCh37 (hg19) VCF-style: chr2-149260054-G-A.
Other names: c.5051G>A, p.Ser1684Asn (NM_001438854.1); c.4352G>A, p.Ser1451Asn (NM_001438855.1); c.5012G>A, p.Ser1671Asn (NM_001438856.1, NM_001438857.1, NM_001438858.1); c.4313G>A, p.Ser1438Asn (NM_001438859.1, NM_001438860.1, NM_001438861.1 and 2 more transcripts); short protein forms S1671N, S1684N, S1438N, S1451N.
Identifiers: ClinVar variation 4701452 (VCV004701452.1).

ClinVar aggregate classification (germline): Uncertain significance (1 of 4 stars; one submission).

Conditions:
Intellectual developmental disorder, autosomal dominant 1. Also called: MBD5 Haploinsufficiency; Intellectual disability, autosomal dominant 1. Identifiers: Orphanet 228402, MedGen C1969562, MONDO:0007974, OMIM 156200.

Submission:

Labcorp Genetics (formerly Invitae), Labcorp
Classification: Uncertain significance for Intellectual developmental disorder, autosomal dominant 1. Last evaluated: 2025-12-19. Review status: criteria provided, single submitter. Criteria: Invitae Variant Classification Sherloc (09022015). Collection method: clinical testing. Allele origin: germline.
Comment: This sequence change replaces serine, which is neutral and polar, with asparagine, which is neutral and polar, at codon 1438 of the MBD5 protein (p.Ser1438Asn). This variant is not present in population databases (gnomAD no frequency). This variant has not been reported in the literature in individuals affected with MBD5-related conditions. An algorithm developed to predict the effect of missense changes on protein structure and function outputs the following: PolyPhen-2: "Not Available". The asparagine amino acid residue is found in multiple mammalian species, which suggests that this missense change does not adversely affect protein function. In summary, the available evidence is currently insufficient to determine the role of this variant in disease. Therefore, it has been classified as a Variant of Uncertain Significance.